The following is an entry in ClinVar:

NM_001079872.2(CUL4B):c.2593-3C>T

Gene: CUL4B (cullin 4B; minus strand). Cytogenetic location: Xq24.
Variant type: single nucleotide variant.
Coding change: c.2593-3C>T on transcript NM_001079872.2 (MANE Select); 3 bases into the intron before coding-DNA position 2593, C replaced by T.
Molecular consequence: intron variant.
Genome position (GRCh38, 1-based): chrX:120,526,859, G>A on the plus strand (C>T on the coding strand, the complement: CUL4B is on the minus strand). VCF-style: chrX-120526859-G-A. GRCh37 (hg19) VCF-style: chrX-119660714-G-A.
Other names: c.2647-3C>T (NM_003588.4); c.2608-3C>T (NM_001330624.2); c.2059-3C>T (NM_001369145.1).
Identifiers: ClinVar variation 4755239 (VCV004755239.1).

ClinVar aggregate classification (germline): Uncertain significance (1 of 4 stars; one submission).

Conditions:
X-linked intellectual disability Cabezas type (MRXSC). Also called: CABEZAS SYNDROME; MENTAL RETARDATION, X-LINKED, SYNDROMIC 15; Intellectual developmental disorder, X-linked syndromic, Cabezas type. Identifiers: Orphanet 85289, Orphanet 85293, MedGen C1845861, MONDO:0010306, OMIM 300354.

gnomAD v4.1: 5 of 1,122,228 alleles (0.00045%); highest among the groups gnomAD compares: Non-Finnish European, 0.00061%; no homozygotes.

Submission:

Labcorp Genetics (formerly Invitae), Labcorp
Classification: Uncertain significance for X-linked intellectual disability Cabezas type. Last evaluated: 2025-07-02. Review status: criteria provided, single submitter. Criteria: Invitae Variant Classification Sherloc (09022015). Collection method: clinical testing. Allele origin: germline.
Comment: This sequence change falls in intron 21 of the CUL4B gene. It does not directly change the encoded amino acid sequence of the CUL4B protein. It affects a nucleotide within the consensus splice site. This variant is not present in population databases (gnomAD no frequency). This variant has not been reported in the literature in individuals affected with CUL4B-related conditions. Variants that disrupt the consensus splice site are a relatively common cause of aberrant splicing (PMID: 17576681, 9536098). Algorithms developed to predict the effect of sequence changes on RNA splicing suggest that this variant is not likely to affect RNA splicing. In summary, the available evidence is currently insufficient to determine the role of this variant in disease. Therefore, it has been classified as a Variant of Uncertain Significance.

Literature cited by the submitters: PubMed 17576681; PubMed 9536098.